The following is an entry in ClinVar:

NM_006269.2(RP1):c.2025del (p.Lys675fs)

Gene: RP1 (RP1 axonemal microtubule associated; plus strand). Cytogenetic location: 8q12.1.
Variant type: Deletion.
Coding change: c.2025del on transcript NM_006269.2 (MANE Select); coding-DNA position 2025, one base deleted (A; older notation c.2025delA).
Protein change: p.Lys675fs; shifts the reading frame from lysine 675.
Molecular consequence: frameshift variant. On other transcripts: intron variant (1).
Genome position (GRCh38, 1-based): chr8:54,625,907, A deleted; the last of 6 consecutive A bases (chr8:54,625,902-54,625,907); deleting any one gives the same sequence. VCF-style (leftmost placement, unchanged base first): chr8-54625901-GA-G. GRCh37 (hg19) VCF-style: chr8-55538461-GA-G.
Other names: c.787+3619del (NM_001375654.1); short protein forms K675fs.
Identifiers: ClinVar variation 2735171 (VCV002735171.4), dbSNP rs1365669334, ClinGen allele CA2695209261.
Genomic context (GRCh38, chr8:54,625,901, plus strand): 5'-TTTAACAAAACTTCCAAAAAATGAAAAGAAGATTTTGTCATCTGTTGCCAGCAAAAAGAA[GA>G]AAAAATCTCGACAGCAAGCAATAAATTCCAGGTATCAAGATGGACAGCTTGCAACCAAAG-3'

ClinVar aggregate classification (germline): Pathogenic. Review status: criteria provided, multiple submitters, no conflicts (2 of 4 stars). 2 submissions from 2 submitters: Pathogenic (2). Last evaluated 2022-10-17.

Conditions:
RP1-related disorder. Also called: RP1-related condition.

Submissions (2):

Labcorp Genetics (formerly Invitae), Labcorp
Classification: Pathogenic. Last evaluated: 2022-10-17. Review status: criteria provided, single submitter. Criteria: Invitae Variant Classification Sherloc (09022015). Collection method: clinical testing. Allele origin: germline.
Comment: For these reasons, this variant has been classified as Pathogenic. This variant disrupts a region of the RP1 protein in which other variant(s) (p.Ile2061Serfs*12) have been determined to be pathogenic (PMID: 11527933, 19933189, 29425069, 30027431). This suggests that this is a clinically significant region of the protein, and that variants that disrupt it are likely to be disease-causing. This premature translational stop signal has been observed in individual(s) with clinical features of autosomal dominant retinitis pigmentosa (PMID: 22052604). This variant is not present in population databases (gnomAD no frequency). This sequence change creates a premature translational stop signal (p.Lys675Asnfs*7) in the RP1 gene. While this is not anticipated to result in nonsense mediated decay, it is expected to disrupt the last 1482 amino acid(s) of the RP1 protein.

Blueprint Genetics
Classification: Pathogenic for RP1-related disorders. Last evaluated: 2020-10-19. Review status: criteria provided, single submitter. Criteria: ACMG Guidelines, 2015. Collection method: clinical testing. Allele origin: germline. Affected: yes. Observed: 4 variant alleles.

Literature cited by the submitters: PubMed 11527933 (cited by Labcorp Genetics (formerly Invitae), Labcorp); PubMed 19933189 (cited by Labcorp Genetics (formerly Invitae), Labcorp); PubMed 29425069 (cited by Labcorp Genetics (formerly Invitae), Labcorp); PubMed 30027431 (cited by Labcorp Genetics (formerly Invitae), Labcorp); PubMed 22052604 (cited by Labcorp Genetics (formerly Invitae), Labcorp).